The following is an entry in ClinVar:

ClinVar aggregate classification (germline): Pathogenic (1 of 4 stars; one submission).

Submission:

Labcorp Genetics (formerly Invitae), Labcorp
Classification: Pathogenic. Last evaluated: 2022-09-12. Review status: criteria provided, single submitter. Criteria: Invitae Variant Classification Sherloc (09022015). Collection method: clinical testing. Allele origin: germline.
Comment: This sequence change creates a premature translational stop signal (p.Gly1607Argfs*2) in the COL7A1 gene. It is expected to result in an absent or disrupted protein product. Loss-of-function variants in COL7A1 are known to be pathogenic (PMID: 16971478). This variant is not present in population databases (gnomAD no frequency). This variant has not been reported in the literature in individuals affected with COL7A1-related conditions. ClinVar contains an entry for this variant (Variation ID: 1392530). For these reasons, this variant has been classified as Pathogenic.

Literature cited by the submitters: PubMed 16971478.

NM_000094.4(COL7A1):c.4817dup (p.Gly1607fs)

Gene: COL7A1 (collagen type VII alpha 1 chain; minus strand). Cytogenetic location: 3p21.31.
Variant type: Duplication.
Coding change: c.4817dup on transcript NM_000094.4 (MANE Select); coding-DNA position 4817, one base duplicated (C; older notation c.4817dupC).
Protein change: p.Gly1607fs; shifts the reading frame from glycine 1607.
Molecular consequence: frameshift variant.
Genome position (GRCh38, 1-based): chr3:48,581,449, G duplicated on the plus strand (C on the coding strand, the reverse complement: COL7A1 is on the minus strand); the first of 5 consecutive G bases (chr3:48,581,449-48,581,453); duplicating any one gives the same sequence. VCF-style (leftmost placement, unchanged base first): chr3-48581448-T-TG. GRCh37 (hg19) VCF-style: chr3-48618881-T-TG.
Other names: short protein forms G1607fs.
Identifiers: ClinVar variation 1392530 (VCV001392530.6), dbSNP rs2044751948, ClinGen allele CA1047674077.